The following is an entry in ClinVar:

ClinVar aggregate classification (germline): Uncertain significance (1 of 4 stars; one submission).

Conditions:
Brachyolmia-amelogenesis imperfecta syndrome. Also called: Tooth agenesis, selective, 6; Dental anomalies and short stature; PLATYSPONDYLY WITH AMELOGENESIS IMPERFECTA. Identifiers: Orphanet 2899, MedGen C1832594, MONDO:0011018, OMIM 601216. Disease mechanism: loss of function.

Allele frequency attached by ClinVar (database versions not stated): gnomAD exomes below 0.00001.
gnomAD v4.1: 2 of 1,614,012 alleles (0.00012%); highest among the groups gnomAD compares: Admixed American, 0.0017%; no homozygotes.

Submission:

Labcorp Genetics (formerly Invitae), Labcorp
Classification: Uncertain significance for Brachyolmia-amelogenesis imperfecta syndrome. Last evaluated: 2023-12-16. Review status: criteria provided, single submitter. Criteria: Invitae Variant Classification Sherloc (09022015). Collection method: clinical testing. Allele origin: germline.
Comment: This sequence change replaces proline, which is neutral and non-polar, with serine, which is neutral and polar, at codon 667 of the LTBP3 protein (p.Pro667Ser). This variant is present in population databases (rs780613881, gnomAD 0.006%). This variant has not been reported in the literature in individuals affected with LTBP3-related conditions. ClinVar contains an entry for this variant (Variation ID: 2197023). An algorithm developed to predict the effect of missense changes on protein structure and function (PolyPhen-2) suggests that this variant is likely to be tolerated. In summary, the available evidence is currently insufficient to determine the role of this variant in disease. Therefore, it has been classified as a Variant of Uncertain Significance.

NM_001130144.3(LTBP3):c.1999C>T (p.Pro667Ser)

Gene: LTBP3 (latent transforming growth factor beta binding protein 3; minus strand). Cytogenetic location: 11q13.1.
Variant type: single nucleotide variant.
Coding change: c.1999C>T on transcript NM_001130144.3 (MANE Select); coding-DNA position 1999, C replaced by T.
Protein change: p.Pro667Ser; replaces proline 667 with serine.
Molecular consequence: missense variant.
Genome position (GRCh38, 1-based): chr11:65,547,547, G>A on the plus strand (C>T on the coding strand, the complement: LTBP3 is on the minus strand). VCF-style: chr11-65547547-G-A. GRCh37 (hg19) VCF-style: chr11-65315018-G-A.
Other names: c.1648C>T, p.Pro550Ser (NM_001164266.1); c.1999C>T, p.Pro667Ser (NM_021070.4); short protein forms P550S, P667S.
Identifiers: ClinVar variation 2197023 (VCV002197023.4), dbSNP rs780613881, ClinGen allele CA6100766.
Genomic context (GRCh38, chr11:65,547,547, plus strand): 5'-AGTTGCACTTGTAGTGACCGGGAAAGTTGATGCAGAAGCCGCCGTCGCCGCACAGGTGGG[G>A]CTTGGCGCATTCGTTCAGGTCTGTGCGGGAGGAAGGGGCCACGAAGGGGGTGTAGGAGGC-3'
Protein context (NP_001123616.1, residues 657-677): SCVDLNECAK[Pro667Ser]HLCGDGGFCI